The following is an entry in ClinVar:

NM_003172.4(SURF1):c.323+1G>A

Gene: SURF1 (SURF1 cytochrome c oxidase assembly factor; minus strand). Cytogenetic location: 9q34.2.
Variant type: single nucleotide variant.
Coding change: c.323+1G>A on transcript NM_003172.4 (MANE Select); the canonical splice donor site of the intron after coding-DNA position 323, G replaced by A.
Molecular consequence: splice donor variant.
Genome position (GRCh38, 1-based): chr9:133,354,658, C>T on the plus strand (G>A on the coding strand, the complement: SURF1 is on the minus strand). VCF-style: chr9-133354658-C-T. GRCh37 (hg19) VCF-style: chr9-136221513-C-T.
Other names: c.-5+1G>A (NM_001280787.1).
Identifiers: ClinVar variation 4813711 (VCV004813711.1).

ClinVar aggregate classification (germline): Pathogenic (1 of 4 stars; one submission).

Conditions:
Mitochondrial complex IV deficiency, nuclear type 1 (MC4DN1). Also called: COX DEFICIENCY; Mitochondrial complex IV deficiency; Complex 4 mitochondrial respiratory chain deficiency; Deficiency of mitochondrial respiratory chain complex4; Complex IV deficiency. Identifiers: MedGen C5435656, MONDO:0700250, OMIM 220110. Disease mechanism: loss of function.

Submission:

Variantyx, Inc.
Classification: Pathogenic for Mitochondrial complex IV deficiency, nuclear type 1. Last evaluated: 2025-12-16. Review status: criteria provided, single submitter. Criteria: Variantyx Assertion Criteria 2022. Collection method: clinical testing. Allele origin: germline. Inheritance: Autosomal recessive inheritance. Affected: yes.
Comment: This is a canonical splicing variant in the SURF1 gene (OMIM: 185620). Pathogenic variants in this gene have been associated with autosomal recessive mitochondrial complex IV (cytochrome c oxidase) deficiency 1. This splicing variant is expected to result in loss of function, which is a known disease mechanism for SURF1 in this disorder (PMID: 10443880, 22488715, 24027061) (PVS1). Based on the current evidence, this variant is classified as pathogenic for autosomal recessive mitochondrial complex IV (cytochrome c oxidase) deficiency 1.

Literature cited by the submitters: PubMed 10443880; PubMed 22488715; PubMed 24027061.